The following is an entry in ClinVar:

ClinVar aggregate classification (germline): Uncertain significance (1 of 4 stars; one submission).

Conditions:
Adams-Oliver syndrome 5 (AOS5). Identifiers: Orphanet 974, MedGen C4014970, MONDO:0014459, OMIM 616028.

Submission:

Labcorp Genetics (formerly Invitae), Labcorp
Classification: Uncertain significance for Adams-Oliver syndrome 5. Last evaluated: 2024-05-23. Review status: criteria provided, single submitter. Criteria: Invitae Variant Classification Sherloc (09022015). Collection method: clinical testing. Allele origin: germline.
Comment: This sequence change replaces glycine, which is neutral and non-polar, with arginine, which is basic and polar, at codon 2436 of the NOTCH1 protein (p.Gly2436Arg). This variant is not present in population databases (gnomAD no frequency). This variant has not been reported in the literature in individuals affected with NOTCH1-related conditions. Advanced modeling of protein sequence and biophysical properties (such as structural, functional, and spatial information, amino acid conservation, physicochemical variation, residue mobility, and thermodynamic stability) performed at Invitae indicates that this missense variant is not expected to disrupt NOTCH1 protein function with a negative predictive value of 95%. In summary, the available evidence is currently insufficient to determine the role of this variant in disease. Therefore, it has been classified as a Variant of Uncertain Significance.

NM_017617.5(NOTCH1):c.7306G>A (p.Gly2436Arg)

Gene: NOTCH1 (notch receptor 1; minus strand). Cytogenetic location: 9q34.3.
Variant type: single nucleotide variant.
Coding change: c.7306G>A on transcript NM_017617.5 (MANE Select); coding-DNA position 7306, G replaced by A.
Protein change: p.Gly2436Arg; replaces glycine 2436 with arginine.
Molecular consequence: missense variant.
Genome position (GRCh38, 1-based): chr9:136,496,433, C>T on the plus strand (G>A on the coding strand, the complement: NOTCH1 is on the minus strand). VCF-style: chr9-136496433-C-T. GRCh37 (hg19) VCF-style: chr9-139390885-C-T.
Other names: short protein forms G2436R.
Identifiers: ClinVar variation 3632357 (VCV003632357.2).
Genomic context (GRCh38, chr9:136,496,433, plus strand): 5'-TAGTGTGCACCGCCAGGCTGCTGGGGCCCAGTGGCTGCACGTCTGCCTGGCTCGGCTCTC[C>T]ACTCAGGAAGCTCCGGCCCAGGTGGCCGCTGGCTGCTGAGCTCACGCCAAGGTGCGGCTG-3'
Protein context (NP_060087.3, residues 2426-2446): SGHLGRSFLS[Gly2436Arg]EPSQADVQPL